The following is an entry in ClinVar:

NM_004360.5(CDH1):c.1137+86T>G

Gene: CDH1 (cadherin 1; plus strand). Cytogenetic location: 16q22.1.
Variant type: single nucleotide variant.
Coding change: c.1137+86T>G on transcript NM_004360.5 (MANE Select); 86 bases into the intron after coding-DNA position 1137, T replaced by G.
Molecular consequence: intron variant.
Genome position (GRCh38, 1-based): chr16:68,812,349, T>G. VCF-style: chr16-68812349-T-G. GRCh37 (hg19) VCF-style: chr16-68846252-T-G.
Other names: c.-479+86T>G (NM_001317185.2); c.-683+86T>G (NM_001317186.2); c.1137+86T>G (NM_001317184.2, NM_004360.4).
Identifiers: ClinVar variation 223660 (VCV000223660.10), dbSNP rs35160345, ClinGen allele CA212349.

ClinVar aggregate classification (germline): Benign. Review status: reviewed by expert panel (3 of 4 stars). 5 submissions from 5 submitters: Benign (1). 4 of the submissions do not count toward it. Last evaluated 2023-08-08.

Conditions:
CDH1-related diffuse gastric and lobular breast cancer syndrome. Also called: CDH1-related diffuse gastric and lobular breast cancer. Identifiers: MedGen CN311521, MONDO:0100488.
Hereditary cancer-predisposing syndrome. Also called: Tumor predisposition; Hereditary neoplastic syndrome; Neoplastic Syndromes, Hereditary; Hereditary Cancer Syndrome. Identifiers: Orphanet 140162, MedGen C0027672, MeSH D009386, MONDO:0015356.
Hereditary diffuse gastric adenocarcinoma (HDGC). Also called: DIFFUSE GASTRIC AND LOBULAR BREAST CANCER SYNDROME. Identifiers: Orphanet 26106, MedGen C1708349, MONDO:0007648, OMIM 137215.

Allele frequency attached by ClinVar (database versions not stated): gnomAD 0.00531 and 0.00568; 1000 Genomes Project 0.00559; TOPMed 0.00577; 1000 Genomes Project 30x 0.00625.
gnomAD v4.1: 1,678 of 1,428,968 alleles (0.12%); highest among the groups gnomAD compares: African/African-American, 1.7%; 17 homozygotes.

Submissions (5):

Clingen Gastric Cancer Variant Curation Expert Panel
Classification: Benign for CDH1-related diffuse gastric and lobular breast cancer syndrome. Last evaluated: 2023-08-08. Review status: reviewed by expert panel. Criteria: ClinGen CDH1 ACMG Specifications V3.1. Collection method: curation. Allele origin: germline. Inheritance: Autosomal dominant inheritance.
Comment: The c.1137+86T>G variant has an allele frequency of 0.0165 (1.65%, 144/8728 alleles) in the African subpopulation of the gnomAD cohort (BA1). Therefore, this variant meets criteria to be classified as benign. ACMG/AMP criteria applied, as specified by the CDH1 Variant Curation Expert Panel (Variant Interpretation Guidelines Version 3.1): BA1.

European Reference Network on Genetic Tumour Risk Syndromes (ERN-GENTURIS), i3s - Instituto de Investigação e Inovação em Saúde, University of Porto
Classification: Benign for Hereditary diffuse gastric adenocarcinoma. Last evaluated: 2022-08-01. Review status: criteria provided, single submitter. Criteria: Lee et al. (Hum Mutat. 2018). Collection method: clinical testing. Allele origin: germline. Inheritance: Autosomal dominant inheritance. Affected: no. Study: ERN GENTURIS. Not counted in ClinVar's aggregate classification.
Comment: BA1 (PMID: 30311375)

GeneDx
Classification: Likely benign. Last evaluated: 2018-06-28. Review status: criteria provided, single submitter. Criteria: GeneDx Variant Classification Process June 2021. Collection method: clinical testing. Allele origin: germline. Affected: yes. Not counted in ClinVar's aggregate classification.

Breakthrough Genomics
Classification: Benign. Review status: criteria provided, single submitter. Criteria: ACMG Guidelines, 2015. Collection method: not provided. Allele origin: germline. Inheritance: Autosomal dominant inheritance. Affected: yes. Not counted in ClinVar's aggregate classification.

University of Washington Department of Laboratory Medicine, University of Washington
Classification: Likely benign for Hereditary cancer-predisposing syndrome. Last evaluated: 2015-12-01. Review status: no assertion criteria provided. Collection method: clinical testing. Allele origin: germline. Affected: yes. Not counted in ClinVar's aggregate classification.

Literature cited by the submitters: PubMed 36436516 (cited by European Reference Network on Genetic Tumour Risk Syndromes (ERN-GENTURIS), i3s - Instituto de Investigação e Inovação em Saúde, University of Porto).